The following is an entry in ClinVar:

NM_003283.6(TNNT1):c.554T>C (p.Ile185Thr)

Gene: TNNT1 (troponin T1, slow skeletal type; minus strand). Cytogenetic location: 19q13.42.
Variant type: single nucleotide variant.
Coding change: c.554T>C on transcript NM_003283.6 (MANE Select); coding-DNA position 554, T replaced by C.
Protein change: p.Ile185Thr; replaces isoleucine 185 with threonine.
Molecular consequence: missense variant.
Genome position (GRCh38, 1-based): chr19:55,137,160, A>G on the plus strand (T>C on the coding strand, the complement: TNNT1 is on the minus strand). VCF-style: chr19-55137160-A-G. GRCh37 (hg19) VCF-style: chr19-55648528-A-G.
Other names: c.554T>C, p.Ile185Thr (NM_001126132.3); c.521T>C, p.Ile174Thr (NM_001126133.3, NM_001291774.2); short protein forms I185T, I174T.
Identifiers: ClinVar variation 1402336 (VCV001402336.6), dbSNP rs970200564, ClinGen allele CA310128776.

ClinVar aggregate classification (germline): Uncertain significance (1 of 4 stars; one submission).

Conditions:
Nemaline myopathy 5 (NEM5A). Also called: NEMALINE MYOPATHY, AMISH TYPE; Nemaline myopathy 5, Amish type; NEMALINE MYOPATHY 5A, AUTOSOMAL RECESSIVE, SEVERE INFANTILE. Identifiers: Orphanet 98902, MedGen C1854380, MONDO:0011539, OMIM 605355.

Submission:

Labcorp Genetics (formerly Invitae), Labcorp
Classification: Uncertain significance for Nemaline myopathy 5. Last evaluated: 2022-08-16. Review status: criteria provided, single submitter. Criteria: Invitae Variant Classification Sherloc (09022015). Collection method: clinical testing. Allele origin: germline.
Comment: This sequence change replaces isoleucine, which is neutral and non-polar, with threonine, which is neutral and polar, at codon 185 of the TNNT1 protein (p.Ile185Thr). This variant is not present in population databases (gnomAD no frequency). This variant has not been reported in the literature in individuals affected with TNNT1-related conditions. ClinVar contains an entry for this variant (Variation ID: 1402336). Algorithms developed to predict the effect of missense changes on protein structure and function are either unavailable or do not agree on the potential impact of this missense change (SIFT: "Tolerated"; PolyPhen-2: "Possibly Damaging"; Align-GVGD: "Class C0"). In summary, the available evidence is currently insufficient to determine the role of this variant in disease. Therefore, it has been classified as a Variant of Uncertain Significance.